The following is an entry in ClinVar:

ClinVar aggregate classification (germline): Uncertain significance (1 of 4 stars; one submission).

Conditions:
Nephrotic syndrome, IIa 26. Also called: Nephrotic syndrome, type 26. Identifiers: MedGen C5774221, MONDO:0031061, OMIM 620049.

gnomAD v4.1: 1 of 1,612,682 alleles (0.000062%); highest among the groups gnomAD compares: Non-Finnish European, 0.000085%; no homozygotes.

Submission:

Neuberg Centre For Genomic Medicine, NCGM
Classification: Uncertain significance for Nephrotic syndrome, IIa 26. Last evaluated: 2023-06-22. Review status: criteria provided, single submitter. Criteria: ACMG Guidelines, 2015. Collection method: clinical testing. Allele origin: germline. Inheritance: Autosomal recessive inheritance. Affected: yes.
Comment: The observed missense c.2171C>Gp.Ser724Cys variant in LAMA5 gene has not been reported previously as a pathogenic variant nor as a benign variant, to our knowledge. This variant is absent in gnomAD Exomes. The amino acid Ser at position 724 is changed to a Cys changing protein sequence and it might alter its composition and physico-chemical properties. The amino acid change p.Ser724Cys in LAMA5 is predicted as conserved by GERP++ and PhyloP across 100 vertebrates. Multiple lines of computational evidence Polyphen - Damaging, SIFT - Damaging, and MutationTaster - Disease causing predict a damaging effect on protein structure and function for this variant. For these reasons, this variant has been classified as Uncertain Significance.

NM_005560.6(LAMA5):c.2171C>G (p.Ser724Cys)

Gene: LAMA5 (laminin subunit alpha 5; minus strand). Cytogenetic location: 20q13.33.
Variant type: single nucleotide variant.
Coding change: c.2171C>G on transcript NM_005560.6 (MANE Select); coding-DNA position 2171, C replaced by G.
Protein change: p.Ser724Cys; replaces serine 724 with cysteine.
Molecular consequence: missense variant.
Genome position (GRCh38, 1-based): chr20:62,336,780, G>C on the plus strand (C>G on the coding strand, the complement: LAMA5 is on the minus strand). VCF-style: chr20-62336780-G-C. GRCh37 (hg19) VCF-style: chr20-60911836-G-C.
Other names: short protein forms S724C.
Identifiers: ClinVar variation 3391394 (VCV003391394.1).